The following is an entry in ClinVar:

NM_000535.7(PMS2):c.1803A>G (p.Ser601=)

Gene: PMS2 (PMS1 homolog 2, mismatch repair system component; minus strand). Cytogenetic location: 7p22.1.
Variant type: single nucleotide variant.
Coding change: c.1803A>G on transcript NM_000535.7 (MANE Select); coding-DNA position 1803, A replaced by G.
Protein change: p.Ser601=; no amino-acid change (serine 601 retained).
Molecular consequence: synonymous variant. On other transcripts: non-coding transcript variant (1).
Genome position (GRCh38, 1-based): chr7:5,986,962, T>C on the plus strand (A>G on the coding strand, the complement: PMS2 is on the minus strand). VCF-style: chr7-5986962-T-C. GRCh37 (hg19) VCF-style: chr7-6026593-T-C.
Other names: c.1398A>G, p.Ser466= (NM_001322005.2, NM_001322003.2, NM_001322004.2 and 1 more transcripts); c.1647A>G, p.Ser549= (NM_001322006.2); c.1485A>G, p.Ser495= (NM_001322007.2, NM_001322008.2); c.1242A>G, p.Ser414= (NM_001322010.2); c.870A>G, p.Ser290= (NM_001322011.2, NM_001322012.2); c.1230A>G, p.Ser410= (NM_001322013.2); c.1803A>G, p.Ser601= (NM_001322014.2); c.1494A>G, p.Ser498= (NM_001322015.2).
Identifiers: ClinVar variation 219671 (VCV000219671.11), dbSNP rs864622203, ClinGen allele CA350031.

ClinVar aggregate classification (germline): Benign/Likely benign. Review status: criteria provided, multiple submitters, no conflicts (2 of 4 stars). 3 submissions from 3 submitters: Benign (1); Likely benign (2). Last evaluated 2025-01-31.

Conditions:
Hereditary nonpolyposis colorectal neoplasms. Identifiers: MedGen C0009405, MeSH D003123.
Hereditary cancer-predisposing syndrome. Also called: Hereditary neoplastic syndrome; Tumor predisposition; Hereditary Cancer Syndrome; Neoplastic Syndromes, Hereditary. Identifiers: Orphanet 140162, MedGen C0027672, MeSH D009386, MONDO:0015356.
Lynch syndrome 4 (LYNCH4). Also called: Colorectal cancer, hereditary nonpolyposis, type 4; Hereditary non-polyposis colorectal cancer, type 4. Identifiers: Orphanet 144, MedGen C1838333, MONDO:0013699, OMIM 614337. Disease mechanism: loss of function.

Submissions (3):

Myriad Genetics, Inc.
Classification: Benign for Lynch syndrome 4. Last evaluated: 2025-01-31. Review status: criteria provided, single submitter. Criteria: Myriad Autosomal Dominant, Autosomal Recessive and X-Linked Classification Criteria (2023). Collection method: clinical testing. Allele origin: unknown.
Comment: This variant is considered benign. This variant is a silent/synonymous amino acid change and it is not expected to impact splicing.

Ambry Genetics
Classification: Likely benign for Hereditary cancer-predisposing syndrome. Last evaluated: 2023-10-16. Review status: criteria provided, single submitter. Criteria: Ambry Variant Classification Scheme 2023. Collection method: clinical testing. Allele origin: germline.

Labcorp Genetics (formerly Invitae), Labcorp
Classification: Likely benign for Hereditary nonpolyposis colorectal neoplasms. Last evaluated: 2015-10-30. Review status: criteria provided, single submitter. Criteria: Invitae Variant Classification Sherloc (09022015). Collection method: clinical testing. Allele origin: germline.